The following is an entry in ClinVar:

NM_000384.3(APOB):c.13667C>T (p.Pro4556Leu)

Genes: APOB (apolipoprotein B; minus strand), APOB3'MAR (APOB 3' scaffold/matrix attachment region; plus strand). Cytogenetic location: 2p24.1.
Variant type: single nucleotide variant.
Coding change: c.13667C>T on transcript NM_000384.3 (MANE Select); coding-DNA position 13667, C replaced by T.
Protein change: p.Pro4556Leu; replaces proline 4556 with leucine.
Molecular consequence: missense variant.
Genome position (GRCh38, 1-based): chr2:21,001,755, G>A on the plus strand (C>T on the coding strand, the complement: APOB is on the minus strand). VCF-style: chr2-21001755-G-A. GRCh37 (hg19) VCF-style: chr2-21224627-G-A.
Other names: short protein forms P4556L.
Identifiers: ClinVar variation 4072763 (VCV004072763.1).

ClinVar aggregate classification (germline): Uncertain significance (1 of 4 stars; one submission).

gnomAD v4.1: 1 of 1,613,926 alleles (0.000062%); highest among the groups gnomAD compares: Non-Finnish European, 0.000085%; no homozygotes.

Submission:

GeneDx
Classification: Uncertain significance. Last evaluated: 2025-02-02. Review status: criteria provided, single submitter. Criteria: GeneDx Variant Classification Process June 2021. Collection method: clinical testing. Allele origin: germline. Affected: yes.
Comment: Not observed at significant frequency in large population cohorts (gnomAD); In silico analysis supports that this missense variant has a deleterious effect on protein structure/function; Has not been previously published as pathogenic or benign to our knowledge